The following is an entry in ClinVar:

NM_003242.6(TGFBR2):c.502A>T (p.Thr168Ser)

Gene: TGFBR2 (transforming growth factor beta receptor 2; plus strand). Cytogenetic location: 3p24.1.
Variant type: single nucleotide variant.
Coding change: c.502A>T on transcript NM_003242.6 (MANE Select); coding-DNA position 502, A replaced by T.
Protein change: p.Thr168Ser; replaces threonine 168 with serine.
Molecular consequence: missense variant. On other transcripts: intron variant (1).
Genome position (GRCh38, 1-based): chr3:30,671,685, A>T. VCF-style: chr3-30671685-A-T. GRCh37 (hg19) VCF-style: chr3-30713177-A-T.
Other names: c.610A>T, p.Thr204Ser (NM_001407127.1); c.529A>T, p.Thr177Ser (NM_001407128.1); c.505A>T, p.Thr169Ser (NM_001407129.1); c.502A>T, p.Thr168Ser (NM_001407130.1); c.397A>T, p.Thr133Ser (NM_001407132.1, NM_001407133.1, NM_001407134.1 and 2 more transcripts); c.217A>T, p.Thr73Ser (NM_001407137.1); c.142A>T, p.Thr48Ser (NM_001407138.1); c.530-16702A>T (NM_001407139.1); and 2 more; short protein forms T204S, T48S, T169S, T177S, T133S, T168S, T229S, T73S.
Identifiers: ClinVar variation 5030833 (VCV005030833.1).

ClinVar aggregate classification (germline): Uncertain significance (1 of 4 stars; one submission).

Conditions:
Familial thoracic aortic aneurysm and aortic dissection (TAAD). Also called: Thoracic aortic aneurysms and dissections. Identifiers: Orphanet 91387, MedGen C4707243, MONDO:0019625.

Submission:

Ambry Genetics
Classification: Uncertain significance for Familial thoracic aortic aneurysm and aortic dissection. Last evaluated: 2026-07-01. Review status: criteria provided, single submitter. Criteria: Ambry Variant Classification Scheme 2023. Collection method: clinical testing. Allele origin: germline.
Comment: The p.T193S variant (also known as c.577A>T), located in coding exon 5 of the TGFBR2 gene, results from an A to T substitution at nucleotide position 577. The threonine at codon 193 is replaced by serine, an amino acid with similar properties. This amino acid position is conserved. In addition, this alteration is predicted to be tolerated by in silico analysis. Based on the available evidence, the clinical significance of this variant remains unclear.